The following is an entry in ClinVar:

ClinVar aggregate classification (germline): Uncertain significance (1 of 4 stars; one submission).

Conditions:
Hypertrophic cardiomyopathy. Also called: HYPERTROPHIC MYOCARDIOPATHY. Identifiers: Orphanet 217569, MedGen C0007194, MeSH D002312, MONDO:0005045, HP:0001639.

Submission:

Labcorp Genetics (formerly Invitae), Labcorp
Classification: Uncertain significance for Hypertrophic cardiomyopathy. Last evaluated: 2021-12-24. Review status: criteria provided, single submitter. Criteria: Invitae Variant Classification Sherloc (09022015). Collection method: clinical testing. Allele origin: germline.
Comment: This variant is not present in population databases (gnomAD no frequency). This sequence change replaces arginine, which is basic and polar, with proline, which is neutral and non-polar, at codon 69 of the MYBPC3 protein (p.Arg69Pro). In summary, the available evidence is currently insufficient to determine the role of this variant in disease. Therefore, it has been classified as a Variant of Uncertain Significance. Algorithms developed to predict the effect of missense changes on protein structure and function are either unavailable or do not agree on the potential impact of this missense change (SIFT: "Tolerated"; PolyPhen-2: "Possibly Damaging"; Align-GVGD: "Class C0"). This variant has not been reported in the literature in individuals affected with MYBPC3-related conditions.

NM_000256.3(MYBPC3):c.206G>C (p.Arg69Pro)

Gene: MYBPC3 (myosin binding protein C3; minus strand). Cytogenetic location: 11p11.2.
Variant type: single nucleotide variant.
Coding change: c.206G>C on transcript NM_000256.3 (MANE Select); coding-DNA position 206, G replaced by C.
Protein change: p.Arg69Pro; replaces arginine 69 with proline.
Molecular consequence: missense variant.
Genome position (GRCh38, 1-based): chr11:47,351,325, C>G on the plus strand (G>C on the coding strand, the complement: MYBPC3 is on the minus strand). VCF-style: chr11-47351325-C-G. GRCh37 (hg19) VCF-style: chr11-47372876-C-G.
Other names: short protein forms R69P.
Identifiers: ClinVar variation 2056635 (VCV002056635.4), dbSNP rs397515945, ClinGen allele CA380341718.